The following is an entry in ClinVar:

NM_178335.3(CCDC50):c.1291C>A (p.Pro431Thr)

Gene: CCDC50 (coiled-coil domain containing 50; plus strand). Cytogenetic location: 3q28.
Variant type: single nucleotide variant.
Coding change: c.1291C>A on transcript NM_178335.3 (MANE Select); coding-DNA position 1291, C replaced by A.
Protein change: p.Pro431Thr; replaces proline 431 with threonine.
Molecular consequence: missense variant.
Genome position (GRCh38, 1-based): chr3:191,382,794, C>A. VCF-style: chr3-191382794-C-A. GRCh37 (hg19) VCF-style: chr3-191100583-C-A.
Other names: c.763C>A, p.Pro255Thr (NM_174908.4); short protein forms P431T, P255T.
Identifiers: ClinVar variation 618553 (VCV000618553.8), dbSNP rs139060348, ClinGen allele CA355767597.

ClinVar aggregate classification (germline): Uncertain significance (1 of 4 stars; one submission).

gnomAD v4.1: 1 of 1,612,908 alleles (0.000062%); highest among the groups gnomAD compares: East Asian, 0.0022%; no homozygotes.

Submission:

ARUP Laboratories, Molecular Genetics and Genomics, ARUP Laboratories
Classification: Uncertain significance. Last evaluated: 2018-01-28. Review status: criteria provided, single submitter. Criteria: ARUP Molecular Germline Variant Investigation Process. Collection method: clinical testing. Allele origin: germline.
Comment: The p.Pro431Thr variant has not been reported in the medical literature, gene specific variation databases, nor has it been previously identified by our laboratory. The proline at position 431 is weakly conserved considering 11 species (Alamut v2.10) and computational analyses of the effects of the p.Pro431Thr variant on protein structure and function indicate a neutral effect (SIFT: tolerated, MutationTaster: polymorphism, PolyPhen-2: benign). This variant is however absent from the general population databases such as 1000 Genomes, NHLBI GO Exome Sequencing Project (ESP), and the Genome Aggregation Database (gnomAD). Altogether, there is not enough evidence to classify the p.Pro431Thr variant with certainty.